The following is an entry in ClinVar:

ClinVar aggregate classification (germline): Likely benign (1 of 4 stars; one submission).

gnomAD v4.1: 674 of 161,680 alleles (0.42%); highest among the groups gnomAD compares: Non-Finnish European, 0.6%; 4 homozygotes.

Submission:

CeGaT Center for Human Genetics Tuebingen
Classification: Likely benign. Last evaluated: 2026-08-01. Review status: criteria provided, single submitter. Criteria: CeGaT Center For Human Genetics Tuebingen Variant Classification Criteria Version 2. Collection method: clinical testing. Allele origin: germline. Affected: yes. Observed: 3 variant alleles.
Comment: SIMC1: BS2

NM_001308195.2(SIMC1):c.1734+8029C>T

Gene: SIMC1 (SUMO interacting motifs containing 1; plus strand). Cytogenetic location: 5q35.2.
Variant type: single nucleotide variant.
Coding change: c.1734+8029C>T on transcript NM_001308195.2 (MANE Select); 8029 bases into the intron after coding-DNA position 1734, C replaced by T.
Molecular consequence: intron variant.
Genome position (GRCh38, 1-based): chr5:176,304,349, C>T. VCF-style: chr5-176304349-C-T. GRCh37 (hg19) VCF-style: chr5-175731352-C-T.
Other names: c.1677+8029C>T (NM_001308196.2); c.432+8029C>T (NM_198567.6).
Identifiers: ClinVar variation 4534709 (VCV004534709.6).
Genomic context (GRCh38, chr5:176,304,349, plus strand): 5'-ACCTCCCTGCCTGATTCTCCTGCCTCAGCCTGCCGAGTGCCTGCGATTGCAGGCACGCGC[C>T]ACCACGCCTGACTGGTTTTGGTGGAGACGGGGTTTCGCTGTGTTGGCCGGGCCGGTCTCC-3'